The following is an entry in ClinVar:

NM_001283009.2(RTEL1):c.2547C>G (p.Gly849=)

Genes: RTEL1 (regulator of telomere elongation helicase 1; plus strand), RTEL1-TNFRSF6B (RTEL1-TNFRSF6B readthrough (NMD candidate); plus strand). Cytogenetic location: 20q13.33.
Variant type: single nucleotide variant.
Coding change: c.2547C>G on transcript NM_001283009.2 (MANE Select); coding-DNA position 2547, C replaced by G.
Protein change: p.Gly849=; no amino-acid change (glycine 849 retained).
Molecular consequence: synonymous variant. On other transcripts: non-coding transcript variant (1).
Genome position (GRCh38, 1-based): chr20:63,690,938, C>G. VCF-style: chr20-63690938-C-G. GRCh37 (hg19) VCF-style: chr20-62322291-C-G.
Other names: c.2619C>G (NM_032957.4); c.1878C>G, p.Gly626= (NM_001283010.1); c.2547C>G, p.Gly849= (NM_016434.4); c.2619C>G, p.Gly873= (NM_032957.5).
Identifiers: ClinVar variation 2930224 (VCV002930224.7), dbSNP rs371353556, ClinGen allele CA511375372.

ClinVar aggregate classification (germline): Likely benign. Review status: criteria provided, multiple submitters, no conflicts (2 of 4 stars). 4 submissions from 4 submitters: Likely benign (2). 2 of the submissions do not count toward it. Last evaluated 2025-05-10.

Conditions:
RTEL1-related disorder. Also called: RTEL1-related disorders; RTEL1-related condition.
Dyskeratosis congenita, autosomal recessive 5 (DKCB5). Identifiers: MedGen C3554656, MONDO:0014076, OMIM 615190.
Pulmonary fibrosis and/or bone marrow failure, Telomere-related, 3. Also called: PULMONARY FIBROSIS AND/OR BONE MARROW FAILURE SYNDROME, TELOMERE-RELATED, 3. Identifiers: Orphanet 2032, MedGen C4225346, MONDO:0014613, OMIM 616373.
Inborn genetic diseases. Identifiers: MedGen C0950123, MeSH D030342.
Dyskeratosis congenita. Identifiers: Orphanet 1775, MedGen C0265965, MONDO:0015780.

gnomAD v4.1: 1 of 1,550,392 alleles (0.000064%); no homozygotes.

Submissions (4):

Ambry Genetics
Classification: Likely benign for Inborn genetic diseases. Last evaluated: 2025-05-10. Review status: criteria provided, single submitter. Criteria: Ambry Variant Classification Scheme 2023. Collection method: clinical testing. Allele origin: germline.

Labcorp Genetics (formerly Invitae), Labcorp
Classification: Likely benign for Dyskeratosis congenita, autosomal recessive 5; Pulmonary fibrosis and/or bone marrow failure, Telomere-related, 3. Last evaluated: 2023-01-16. Review status: criteria provided, single submitter. Criteria: Invitae Variant Classification Sherloc (09022015). Collection method: clinical testing. Allele origin: germline.

Natera, Inc.
Classification: Likely benign for Dyskeratosis congenita. Last evaluated: 2025-04-25. Review status: no assertion criteria provided. Collection method: clinical testing. Allele origin: germline. Not counted in ClinVar's aggregate classification.

PreventionGenetics, part of Exact Sciences
Classification: Likely benign for RTEL1-related condition. Last evaluated: 2019-07-24. Review status: no assertion criteria provided. Collection method: clinical testing. Allele origin: germline. Not counted in ClinVar's aggregate classification.
Comment: This variant is classified as likely benign based on ACMG/AMP sequence variant interpretation guidelines (Richards et al. 2015 PMID: 25741868, with internal and published modifications).